The following is an entry in ClinVar:

ClinVar aggregate classification (germline): Uncertain significance. Review status: criteria provided, multiple submitters, no conflicts (2 of 4 stars). 3 submissions from 3 submitters: Uncertain significance (3). Last evaluated 2024-10-09.

Conditions:
Neurodegeneration with brain iron accumulation 6 (NBIA6). Also called: COASY protein-associated neurodegeneration. Identifiers: Orphanet 397725, MedGen C4517377, MONDO:0014290, OMIM 615643.

Allele frequency attached by ClinVar (database versions not stated): ExAC 0.00001; gnomAD 0.00001; TOPMed 0.00002; gnomAD exomes 0.00004.
gnomAD v4.1: 22 of 1,613,994 alleles (0.0014%); highest among the groups gnomAD compares: Admixed American, 0.02%; no homozygotes.

Submissions (3):

GeneDx
Classification: Uncertain significance. Last evaluated: 2024-10-09. Review status: criteria provided, single submitter. Criteria: GeneDx Variant Classification Process June 2021. Collection method: clinical testing. Allele origin: germline. Affected: yes.
Comment: In silico analysis supports that this missense variant has a deleterious effect on protein structure/function; Has not been previously published as pathogenic or benign to our knowledge

Ambry Genetics
Classification: Uncertain significance. Last evaluated: 2024-01-22. Review status: criteria provided, single submitter. Criteria: Ambry Variant Classification Scheme 2023. Collection method: clinical testing. Allele origin: germline.

Labcorp Genetics (formerly Invitae), Labcorp
Classification: Uncertain significance for Neurodegeneration with brain iron accumulation 6. Last evaluated: 2023-12-11. Review status: criteria provided, single submitter. Criteria: Invitae Variant Classification Sherloc (09022015). Collection method: clinical testing. Allele origin: germline.
Comment: This sequence change replaces threonine, which is neutral and polar, with methionine, which is neutral and non-polar, at codon 441 of the COASY protein (p.Thr441Met). This variant is present in population databases (rs767660167, gnomAD 0.03%). This variant has not been reported in the literature in individuals affected with COASY-related conditions. ClinVar contains an entry for this variant (Variation ID: 965514). Advanced modeling of protein sequence and biophysical properties (such as structural, functional, and spatial information, amino acid conservation, physicochemical variation, residue mobility, and thermodynamic stability) has been performed at Invitae for this missense variant, however the output from this modeling did not meet the statistical confidence thresholds required to predict the impact of this variant on COASY protein function. In summary, the available evidence is currently insufficient to determine the role of this variant in disease. Therefore, it has been classified as a Variant of Uncertain Significance.

NM_025233.7(COASY):c.1322C>T (p.Thr441Met)

Gene: COASY (Coenzyme A synthase; plus strand). Cytogenetic location: 17q21.2.
Variant type: single nucleotide variant.
Coding change: c.1322C>T on transcript NM_025233.7 (MANE Select); coding-DNA position 1322, C replaced by T.
Protein change: p.Thr441Met; replaces threonine 441 with methionine.
Molecular consequence: missense variant.
Genome position (GRCh38, 1-based): chr17:42,565,246, C>T. VCF-style: chr17-42565246-C-T. GRCh37 (hg19) VCF-style: chr17-40717264-C-T.
Other names: c.1322C>T, p.Thr441Met (NM_001042529.3); c.1409C>T, p.Thr470Met (NM_001042532.4); c.1409C>T (NM_001042532.2); short protein forms T441M, T470M.
Identifiers: ClinVar variation 965514 (VCV000965514.12), dbSNP rs767660167, ClinGen allele CA8578283.